The following is an entry in ClinVar:

NM_000088.4(COL1A1):c.2550del (p.Gly851fs)

Gene: COL1A1 (collagen type I alpha 1 chain; minus strand). Cytogenetic location: 17q21.33.
Variant type: Deletion.
Coding change: c.2550del on transcript NM_000088.4 (MANE Select); coding-DNA position 2550, one base deleted (T; older notation c.2550delT).
Protein change: p.Gly851fs; shifts the reading frame from glycine 851.
Molecular consequence: frameshift variant.
Genome position (GRCh38, 1-based): chr17:50,190,010, A deleted on the plus strand (T on the coding strand, the reverse complement: COL1A1 is on the minus strand). VCF-style (leftmost placement, unchanged base first): chr17-50190009-CA-C. GRCh37 (hg19) VCF-style: chr17-48267370-CA-C.
Other names: c.2550delT (NM_000088.3); c.2550del, p.Gly851fs (LRG_1t1); short protein forms G851fs.
Identifiers: ClinVar variation 425585 (VCV000425585.14), dbSNP rs1114167380, ClinGen allele CA645294104.

ClinVar aggregate classification (germline): Pathogenic. Review status: criteria provided, multiple submitters, no conflicts (2 of 4 stars). 3 submissions from 3 submitters: Pathogenic (2). 1 of the submissions does not count toward it. Last evaluated 2025-12-14.

Conditions:
Osteogenesis imperfecta type I (OI1). Also called: Lobstein's Disease; Lobstein disease; Osteogenesis imperfecta type 1; OI, TYPE I; OSTEOGENESIS IMPERFECTA TARDA; OSTEOGENESIS IMPERFECTA WITH BLUE SCLERAE. Identifiers: Orphanet 216796, Orphanet 666, MedGen C0023931, MONDO:0008146, OMIM 166200. Disease mechanism: loss of function.

Allele frequency attached by ClinVar (database versions not stated): gnomAD exomes below 0.00001.

Submissions (3):

Labcorp Genetics (formerly Invitae), Labcorp
Classification: Pathogenic for Osteogenesis imperfecta type I. Last evaluated: 2025-12-14. Review status: criteria provided, single submitter. Criteria: Invitae Variant Classification Sherloc (09022015). Collection method: clinical testing. Allele origin: germline.
Comment: This sequence change creates a premature translational stop signal (p.Gly851Alafs*257) in the COL1A1 gene. It is expected to result in an absent or disrupted protein product. Loss-of-function variants in COL1A1 are known to be pathogenic (PMID: 7942841, 9295084, 9443882). This variant is not present in population databases (gnomAD no frequency). This premature translational stop signal has been observed in individual(s) with osteogenesis imperfecta type I (PMID: 27510842). ClinVar contains an entry for this variant (Variation ID: 425585). For these reasons, this variant has been classified as Pathogenic.

GeneDx
Classification: Pathogenic. Last evaluated: 2025-09-03. Review status: criteria provided, single submitter. Criteria: GeneDx Variant Classification Process June 2021. Collection method: clinical testing. Allele origin: germline. Affected: yes.
Comment: Frameshift variant predicted to result in protein truncation or nonsense mediated decay in a gene for which loss-of-function is a known mechanism of disease; Not observed at significant frequency in large population cohorts (gnomAD); This variant is associated with the following publications: (PMID: 25944380, 27510842)

Department of Medical Sciences, Uppsala University
Classification: Pathogenic for OI type I. Review status: no assertion criteria provided. Collection method: clinical testing. Allele origin: maternal. Affected: yes. Observed: 1 variant allele. Not counted in ClinVar's aggregate classification.

Literature cited by the submitters: PubMed 7942841 (cited by Labcorp Genetics (formerly Invitae), Labcorp); PubMed 9295084 (cited by Labcorp Genetics (formerly Invitae), Labcorp); PubMed 9443882 (cited by Labcorp Genetics (formerly Invitae), Labcorp); PubMed 27510842 (cited by Labcorp Genetics (formerly Invitae), Labcorp); PubMed 25944380 (cited by Department of Medical Sciences, Uppsala University).